The following is an entry in ClinVar:

NM_004667.6(HERC2):c.5391C>T (p.His1797=)

Gene: HERC2 (HECT and RLD domain containing E3 ubiquitin protein ligase 2; minus strand). Cytogenetic location: 15q13.1.
Variant type: single nucleotide variant.
Coding change: c.5391C>T on transcript NM_004667.6 (MANE Select); coding-DNA position 5391, C replaced by T.
Protein change: p.His1797=; no amino-acid change (histidine 1797 retained).
Molecular consequence: synonymous variant.
Genome position (GRCh38, 1-based): chr15:28,228,291, G>A on the plus strand (C>T on the coding strand, the complement: HERC2 is on the minus strand). VCF-style: chr15-28228291-G-A. GRCh37 (hg19) VCF-style: chr15-28473437-G-A.
Identifiers: ClinVar variation 720173 (VCV000720173.30), dbSNP rs200571641, ClinGen allele CA7442368.

ClinVar aggregate classification (germline): Benign/Likely benign. Review status: criteria provided, multiple submitters, no conflicts (2 of 4 stars). 4 submissions from 4 submitters: Benign (2); Likely benign (2). Last evaluated 2026-03-01.

Allele frequency attached by ClinVar (database versions not stated): ESP Exome Variant Server 0.00008; 1000 Genomes Project 30x 0.00016; 1000 Genomes Project 0.00020; gnomAD 0.00028 and 0.00068; gnomAD exomes 0.00039 and 0.00078; ExAC 0.00081; TOPMed 0.00087.
gnomAD v4.1: 692 of 1,613,002 alleles (0.043%); highest among the groups gnomAD compares: South Asian, 0.53%; 12 homozygotes.

Submissions (4):

CeGaT Center for Human Genetics Tuebingen
Classification: Likely benign. Last evaluated: 2026-03-01. Review status: criteria provided, single submitter. Criteria: CeGaT Center For Human Genetics Tuebingen Variant Classification Criteria Version 2. Collection method: clinical testing. Allele origin: germline. Affected: yes. Observed: 5 variant alleles.
Comment: HERC2: BP4, BP7

Blueprint Genetics
Classification: Likely benign. Last evaluated: 2024-11-26. Review status: criteria provided, single submitter. Criteria: ACMG Guidelines, 2015. Collection method: clinical testing. Allele origin: germline.

Labcorp Genetics (formerly Invitae), Labcorp
Classification: Benign. Last evaluated: 2019-12-31. Review status: criteria provided, single submitter. Criteria: Invitae Variant Classification Sherloc (09022015). Collection method: clinical testing. Allele origin: germline.

Breakthrough Genomics
Classification: Benign. Review status: criteria provided, single submitter. Criteria: ACMG Guidelines, 2015. Collection method: not provided. Allele origin: germline. Inheritance: Autosomal recessive inheritance. Affected: yes.